The following is an entry in ClinVar:

ClinVar aggregate classification (germline): Conflicting classifications of pathogenicity. Review status: criteria provided, conflicting classifications (1 of 4 stars). 2 submissions from 2 submitters: Likely pathogenic (1); Uncertain significance (1). Last evaluated 2024-06-07.

Conditions:
Mucopolysaccharidosis, MPS-II (MPS2). Also called: Mucopolysaccharidosis with skin involvement; Mucopolysaccharidosis type 2; Attenuated MPS (subtype; formerly known as mild MPS II); Severe MPS II; I2S deficiency; MPS 2. Identifiers: Orphanet 580, Orphanet 79388, MedGen C0026705, MONDO:0010674, OMIM 309900.

Submissions (2):

Laboratory of Diagnosis and Therapy of Lysosomal Disorders, University of Padova
Classification: Likely pathogenic for Mucopolysaccharidosis, MPS-II. Last evaluated: 2024-06-07. Review status: criteria provided, single submitter. Criteria: ACMG Guidelines, 2015. Collection method: literature only. Allele origin: germline. Affected: yes. Observed: 1 variant allele.
Comment: Absent from controls (or at low frequency) in gnomAD database (PM2_Moderate), Protein length changes in a nonrepeat region or stop–loss variants (PM4_Strong), Multiple lines of computational evidence support a deleterious effect (PP3_Supporting), Patient’s phenotype or family history highly specific for the disease (PP4_Moderate)

Classification method: ACMG Guidelines [PMID:25741868] with modifications

Labcorp Genetics (formerly Invitae), Labcorp
Classification: Uncertain significance for Mucopolysaccharidosis, MPS-II. Last evaluated: 2023-11-27. Review status: criteria provided, single submitter. Criteria: Invitae Variant Classification Sherloc (09022015). Collection method: clinical testing. Allele origin: germline.
Comment: This variant, c.217_219del, results in the deletion of 1 amino acid(s) of the IDS protein (p.Leu73del), but otherwise preserves the integrity of the reading frame. This variant is not present in population databases (gnomAD no frequency). This variant has been observed in individual(s) with mucopolysaccharidosis type II (PMID: 16133661). Experimental studies and prediction algorithms are not available or were not evaluated, and the functional significance of this variant is currently unknown. In summary, the available evidence is currently insufficient to determine the role of this variant in disease. Therefore, it has been classified as a Variant of Uncertain Significance.

Literature cited by the submitters: PubMed 16133661 (cited by Laboratory of Diagnosis and Therapy of Lysosomal Disorders, University of Padova and Labcorp Genetics (formerly Invitae), Labcorp).

NM_000202.8(IDS):c.214CTC[1] (p.Leu73del)

Gene: IDS (iduronate 2-sulfatase; minus strand). Cytogenetic location: Xq28.
Variant type: Microsatellite.
Coding change: c.214CTC[1] on transcript NM_000202.8 (MANE Select); one copy of the 3-base unit CTC starting at c.214; the reference has two copies in a row; one copy, 3 bases deleted; also written c.217_219del.
Protein change: p.Leu73del; deletes leucine 73.
Molecular consequence: inframe deletion. On other transcripts: 5 prime UTR variant (1), non-coding transcript variant (1).
Genome position (GRCh38, 1-based): chrX:149,504,178-149,504,180, GAG deleted on the plus strand (CTC on the coding strand, the reverse complement: IDS is on the minus strand); deleting any 3 consecutive bases within chrX:149,504,178-149,504,184 gives the same sequence; the position shown is the placement nearest the transcript's 3' end. VCF-style (leftmost placement, unchanged base first): chrX-149504177-AGAG-A. GRCh37 (hg19) VCF-style: chrX-148585707-AGAG-A.
Other names: c.217_219del (NM_000202.8); c.-13CTC[1] (NM_001166550.4); c.214CTC[1], p.Leu73del (NM_006123.5); short protein forms L73del.
Identifiers: ClinVar variation 2737392 (VCV002737392.5), dbSNP rs2520900881, ClinGen allele CA2695236625.
Genomic context (GRCh38, chrX:149,504,177, plus strand): 5'-GAAGCAGCACACACCCACAGCTAGAGGTTCCCAGACATACCTGCGCAAAGGCATTCTGGA[AGAG>A]GAGGCTGTGGGATGCCAGTTGGTCAATATTTGGGGACCTCACCAGCTTATCCCCATAACA-3'